The following is an entry in ClinVar:

ClinVar aggregate classification (germline): Likely pathogenic (1 of 4 stars; one submission).

Conditions:
Landau-Kleffner syndrome (FESD). Also called: EPILEPSY, FOCAL, WITH SPEECH DISORDER AND WITH OR WITHOUT MENTAL RETARDATION; APHASIA, ACQUIRED, WITH EPILEPSY. Identifiers: Orphanet 1945, Orphanet 725, Orphanet 98818, MedGen C0282512, MONDO:0009509, OMIM 245570.

Submission:

Labcorp Genetics (formerly Invitae), Labcorp
Classification: Likely pathogenic for Landau-Kleffner syndrome. Last evaluated: 2023-10-13. Review status: criteria provided, single submitter. Criteria: Invitae Variant Classification Sherloc (09022015). Collection method: clinical testing. Allele origin: germline.
Comment: This sequence change replaces asparagine, which is neutral and polar, with lysine, which is basic and polar, at codon 886 of the GRIN2A protein (p.Asn886Lys). This variant is not present in population databases (gnomAD no frequency). This missense change has been observed in individual(s) with epilepsy (Invitae). In at least one individual the variant was observed to be de novo. ClinVar contains an entry for this variant (Variation ID: 1524938). Advanced modeling of protein sequence and biophysical properties (such as structural, functional, and spatial information, amino acid conservation, physicochemical variation, residue mobility, and thermodynamic stability) performed at Invitae indicates that this missense variant is not expected to disrupt GRIN2A protein function. In summary, the currently available evidence indicates that the variant is pathogenic, but additional data are needed to prove that conclusively. Therefore, this variant has been classified as Likely Pathogenic.

NM_001134407.3(GRIN2A):c.2658T>A (p.Asn886Lys)

Gene: GRIN2A (glutamate ionotropic receptor NMDA type subunit 2A; minus strand). Cytogenetic location: 16p13.2.
Variant type: single nucleotide variant.
Coding change: c.2658T>A on transcript NM_001134407.3 (MANE Select); coding-DNA position 2658, T replaced by A.
Protein change: p.Asn886Lys; replaces asparagine 886 with lysine.
Molecular consequence: missense variant.
Genome position (GRCh38, 1-based): chr16:9,764,886, A>T on the plus strand (T>A on the coding strand, the complement: GRIN2A is on the minus strand). VCF-style: chr16-9764886-A-T. GRCh37 (hg19) VCF-style: chr16-9858743-A-T.
Other names: c.2658T>A, p.Asn886Lys (NM_000833.5, NM_001134408.2); short protein forms N886K.
Identifiers: ClinVar variation 1524938 (VCV001524938.6), dbSNP rs1321794341, ClinGen allele CA394709638.